The following is an entry in ClinVar:

NM_003239.5(TGFB3):c.368G>T (p.Cys123Phe)

Gene: TGFB3 (transforming growth factor beta 3; minus strand). Cytogenetic location: 14q24.3.
Variant type: single nucleotide variant.
Coding change: c.368G>T on transcript NM_003239.5 (MANE Select); coding-DNA position 368, G replaced by T.
Protein change: p.Cys123Phe; replaces cysteine 123 with phenylalanine.
Molecular consequence: missense variant.
Genome position (GRCh38, 1-based): chr14:75,971,703, C>A on the plus strand (G>T on the coding strand, the complement: TGFB3 is on the minus strand). VCF-style: chr14-75971703-C-A. GRCh37 (hg19) VCF-style: chr14-76438046-C-A.
Other names: c.368G>T, p.Cys123Phe (NM_001329938.2, NM_001329939.2); short protein forms C123F.
Identifiers: ClinVar variation 1995586 (VCV001995586.5), dbSNP rs2504112149, ClinGen allele CA390470310.

ClinVar aggregate classification (germline): Uncertain significance. Review status: criteria provided, multiple submitters, no conflicts (2 of 4 stars). 2 submissions from 2 submitters: Uncertain significance (2). Last evaluated 2025-10-14.

Conditions:
Rienhoff syndrome. Also called: LOEYS-DIETZ SYNDROME 5. Identifiers: MedGen C3810012, MONDO:0014262, OMIM 615582.
Familial thoracic aortic aneurysm and aortic dissection (TAAD). Also called: Thoracic aortic aneurysms and dissections. Identifiers: Orphanet 91387, MedGen C4707243, MONDO:0019625.

Submissions (2):

Ambry Genetics
Classification: Uncertain significance for Familial thoracic aortic aneurysm and aortic dissection. Last evaluated: 2025-10-14. Review status: criteria provided, single submitter. Criteria: Ambry Variant Classification Scheme 2023. Collection method: clinical testing. Allele origin: germline.

Labcorp Genetics (formerly Invitae), Labcorp
Classification: Uncertain significance for Rienhoff syndrome. Last evaluated: 2022-05-17. Review status: criteria provided, single submitter. Criteria: Invitae Variant Classification Sherloc (09022015). Collection method: clinical testing. Allele origin: germline.
Comment: This sequence change replaces cysteine, which is neutral and slightly polar, with phenylalanine, which is neutral and non-polar, at codon 123 of the TGFB3 protein (p.Cys123Phe). This variant is not present in population databases (gnomAD no frequency). This variant has not been reported in the literature in individuals affected with TGFB3-related conditions. Algorithms developed to predict the effect of missense changes on protein structure and function are either unavailable or do not agree on the potential impact of this missense change (SIFT: "Deleterious"; PolyPhen-2: "Probably Damaging"; Align-GVGD: "Class C0"). In summary, the available evidence is currently insufficient to determine the role of this variant in disease. Therefore, it has been classified as a Variant of Uncertain Significance.